The following is an entry in ClinVar:

ClinVar aggregate classification (germline): Likely benign. Review status: criteria provided, multiple submitters, no conflicts (2 of 4 stars). 3 submissions from 3 submitters: Likely benign (2). 1 of the submissions does not count toward it. Last evaluated 2023-07-01.

Conditions:
CACNG2-related disorder. Also called: CACNG2-related condition.

Allele frequency attached by ClinVar (database versions not stated): ExAC 0.00006; gnomAD exomes 0.00008 and 0.00023; gnomAD 0.00014 and 0.00016; TOPMed 0.00018; ESP Exome Variant Server 0.00023.
gnomAD v4.1: 359 of 1,614,024 alleles (0.022%); highest among the groups gnomAD compares: Non-Finnish European, 0.029%; no homozygotes.

Submissions (3):

CeGaT Center for Human Genetics Tuebingen
Classification: Likely benign. Last evaluated: 2023-07-01. Review status: criteria provided, single submitter. Criteria: CeGaT Center For Human Genetics Tuebingen Variant Classification Criteria Version 2. Collection method: clinical testing. Allele origin: germline. Affected: yes. Observed: 1 variant allele.
Comment: CACNG2: BP4, BP7

Labcorp Genetics (formerly Invitae), Labcorp
Classification: Likely benign. Last evaluated: 2018-04-10. Review status: criteria provided, single submitter. Criteria: Invitae Variant Classification Sherloc (09022015). Collection method: clinical testing. Allele origin: germline.

PreventionGenetics, part of Exact Sciences
Classification: Likely benign for CACNG2-related condition. Last evaluated: 2019-08-08. Review status: no assertion criteria provided. Collection method: clinical testing. Allele origin: germline. Not counted in ClinVar's aggregate classification.
Comment: This variant is classified as likely benign based on ACMG/AMP sequence variant interpretation guidelines (Richards et al. 2015 PMID: 25741868, with internal and published modifications).

NM_006078.5(CACNG2):c.579C>T (p.Val193=)

Gene: CACNG2 (calcium voltage-gated channel auxiliary subunit gamma 2; minus strand). Cytogenetic location: 22q12.3.
Variant type: single nucleotide variant.
Coding change: c.579C>T on transcript NM_006078.5 (MANE Select); coding-DNA position 579, C replaced by T.
Protein change: p.Val193=; no amino-acid change (valine 193 retained).
Molecular consequence: synonymous variant. On other transcripts: non-coding transcript variant (1).
Genome position (GRCh38, 1-based): chr22:36,564,744, G>A on the plus strand (C>T on the coding strand, the complement: CACNG2 is on the minus strand). VCF-style: chr22-36564744-G-A. GRCh37 (hg19) VCF-style: chr22-36960791-G-A.
Other names: c.510C>T, p.Val170= (NM_001379051.1).
Identifiers: ClinVar variation 739995 (VCV000739995.28), dbSNP rs149442040, ClinGen allele CA10212139.